The following is an entry in ClinVar:

NM_001005373.4(LRSAM1):c.1817G>A (p.Gly606Glu)

Gene: LRSAM1 (leucine rich repeat and sterile alpha motif containing 1; plus strand). Cytogenetic location: 9q33.3.
Variant type: single nucleotide variant.
Coding change: c.1817G>A on transcript NM_001005373.4 (MANE Select); coding-DNA position 1817, G replaced by A.
Protein change: p.Gly606Glu; replaces glycine 606 with glutamic acid.
Molecular consequence: missense variant. On other transcripts: non-coding transcript variant (2).
Genome position (GRCh38, 1-based): chr9:127,496,082, G>A. VCF-style: chr9-127496082-G-A. GRCh37 (hg19) VCF-style: chr9-130258361-G-A.
Other names: c.1817G>A (NM_138361.4); c.1817G>A, p.Gly606Glu (NM_001005374.4, NM_001384142.1, NM_138361.5); c.1736G>A, p.Gly579Glu (NM_001190723.3); c.1718G>A, p.Gly573Glu (NM_001384143.1); c.1028G>A, p.Gly343Glu (NM_001384144.1); short protein forms G573E, G579E, G343E, G606E.
Identifiers: ClinVar variation 2892341 (VCV002892341.4), dbSNP rs368858589, ClinGen allele CA199852352.

ClinVar aggregate classification (germline): Uncertain significance. Review status: criteria provided, multiple submitters, no conflicts (2 of 4 stars). 2 submissions from 2 submitters: Uncertain significance (2). Last evaluated 2025-11-26.

Conditions:
Charcot-Marie-Tooth disease axonal type 2P. Also called: CHARCOT-MARIE-TOOTH NEUROPATHY, TYPE 2P; Charcot-Marie-Tooth Neuropathy Type 2G; CHARCOT-MARIE-TOOTH DISEASE, AXONAL, TYPE 2G; CMT 2G. Identifiers: Orphanet 300319, Orphanet 99941, MedGen C3280797, MONDO:0013753, OMIM 614436.
Inborn genetic diseases. Identifiers: MedGen C0950123, MeSH D030342.

Allele frequency attached by ClinVar (database versions not stated): TOPMed below 0.00001; ESP Exome Variant Server 0.00008.
gnomAD v4.1: 21 of 1,610,478 alleles (0.0013%); highest among the groups gnomAD compares: Middle Eastern, 0.033%; no homozygotes.

Submissions (2):

Ambry Genetics
Classification: Uncertain significance for Inborn genetic diseases. Last evaluated: 2025-11-26. Review status: criteria provided, single submitter. Criteria: Ambry Variant Classification Scheme 2023. Collection method: clinical testing. Allele origin: germline.

Labcorp Genetics (formerly Invitae), Labcorp
Classification: Uncertain significance for Charcot-Marie-Tooth disease axonal type 2P. Last evaluated: 2024-06-03. Review status: criteria provided, single submitter. Criteria: Invitae Variant Classification Sherloc (09022015). Collection method: clinical testing. Allele origin: germline.
Comment: This sequence change replaces glycine, which is neutral and non-polar, with glutamic acid, which is acidic and polar, at codon 606 of the LRSAM1 protein (p.Gly606Glu). This variant is present in population databases (rs368858589, gnomAD 0.003%). This variant has not been reported in the literature in individuals affected with LRSAM1-related conditions. Advanced modeling of protein sequence and biophysical properties (such as structural, functional, and spatial information, amino acid conservation, physicochemical variation, residue mobility, and thermodynamic stability) performed at Invitae indicates that this missense variant is not expected to disrupt LRSAM1 protein function with a negative predictive value of 80%. In summary, the available evidence is currently insufficient to determine the role of this variant in disease. Therefore, it has been classified as a Variant of Uncertain Significance.